The following is an entry in ClinVar:

NM_004260.4(RECQL4):c.377G>C (p.Arg126Thr)

Gene: RECQL4 (RecQ like helicase 4; minus strand). Cytogenetic location: 8q24.3.
Variant type: single nucleotide variant.
Coding change: c.377G>C on transcript NM_004260.4 (MANE Select); coding-DNA position 377, G replaced by C.
Protein change: p.Arg126Thr; replaces arginine 126 with threonine.
Molecular consequence: missense variant. On other transcripts: 5 prime UTR variant (13), non-coding transcript variant (3), intron variant (5).
Genome position (GRCh38, 1-based): chr8:144,516,742, C>G on the plus strand (G>C on the coding strand, the complement: RECQL4 is on the minus strand). VCF-style: chr8-144516742-C-G. GRCh37 (hg19) VCF-style: chr8-145742126-C-G.
Other names: c.377G>C, p.Arg126Thr (NM_001413017.1, NM_001413018.1, NM_001413019.1 and 4 more transcripts); c.-695G>C (NM_001413022.1, NM_001413023.1, NM_001413037.1 and 3 more transcripts); c.248G>C, p.Arg83Thr (NM_001413025.1); c.-757G>C (NM_001413027.1, NM_001413030.1, NM_001413031.1 and 1 more transcripts); c.-420G>C (NM_001413028.1); c.-599G>C (NM_001413034.1); c.-964G>C (NM_001413043.1); c.354+308G>C (NM_001413029.1); and 3 more; short protein forms R126T, R83T.
Identifiers: ClinVar variation 4152418 (VCV004152418.1).

ClinVar aggregate classification (germline): Uncertain significance (1 of 4 stars; one submission).

Conditions:
Inborn genetic diseases. Identifiers: MedGen C0950123, MeSH D030342.

gnomAD v4.1: 1 of 1,529,472 alleles (0.000065%); no homozygotes.

Submission:

Ambry Genetics
Classification: Uncertain significance for Inborn genetic diseases. Last evaluated: 2025-08-14. Review status: criteria provided, single submitter. Criteria: Ambry Variant Classification Scheme 2023. Collection method: clinical testing. Allele origin: germline.
Comment: The p.R126T variant (also known as c.377G>C), located in coding exon 5 of the RECQL4 gene, results from a G to C substitution at nucleotide position 377. The arginine at codon 126 is replaced by threonine, an amino acid with similar properties. This amino acid position is conserved. In addition, this alteration is predicted to be tolerated by in silico analysis. Based on the available evidence, the clinical significance of this variant remains unclear.